The following is an entry in ClinVar:

ClinVar aggregate classification (germline): Uncertain significance (1 of 4 stars; one submission).

Conditions:
Baller-Gerold syndrome (BGS). Also called: CRANIOSYNOSTOSIS WITH RADIAL DEFECTS. Identifiers: Orphanet 1225, MedGen C0265308, MONDO:0009039, OMIM 218600.

gnomAD v4.1: 1 of 1,594,180 alleles (0.000063%); highest among the groups gnomAD compares: African/African-American, 0.0013%; no homozygotes.

Submission:

Labcorp Genetics (formerly Invitae), Labcorp
Classification: Uncertain significance for Baller-Gerold syndrome. Last evaluated: 2022-07-14. Review status: criteria provided, single submitter. Criteria: Invitae Variant Classification Sherloc (09022015). Collection method: clinical testing. Allele origin: germline.
Comment: In summary, the available evidence is currently insufficient to determine the role of this variant in disease. Therefore, it has been classified as a Variant of Uncertain Significance. Experimental studies and prediction algorithms are not available or were not evaluated, and the functional significance of this variant is currently unknown. This variant has not been reported in the literature in individuals affected with RECQL4-related conditions. This variant is not present in population databases (gnomAD no frequency). This sequence change replaces glycine, which is neutral and non-polar, with glutamic acid, which is acidic and polar, at codon 58 of the RECQL4 protein (p.Gly58Glu).

NM_004260.4(RECQL4):c.173G>A (p.Gly58Glu)

Genes: RECQL4 (RecQ like helicase 4; minus strand), LOC130001411 (ATAC-STARR-seq lymphoblastoid silent region 19699; plus strand). Cytogenetic location: 8q24.3.
Variant type: single nucleotide variant.
Coding change: c.173G>A on transcript NM_004260.4 (MANE Select); coding-DNA position 173, G replaced by A.
Protein change: p.Gly58Glu; replaces glycine 58 with glutamic acid.
Molecular consequence: missense variant.
Genome position (GRCh38, 1-based): chr8:144,517,454, C>T on the plus strand (G>A on the coding strand, the complement: RECQL4 is on the minus strand). VCF-style: chr8-144517454-C-T. GRCh37 (hg19) VCF-style: chr8-145742838-C-T.
Other names: c.173G>A, p.Gly58Glu (NM_001413017.1, NM_001413018.1, NM_001413019.1 and 5 more transcripts); c.-548G>A (NM_001413021.1); c.-899G>A (NM_001413022.1, NM_001413023.1, NM_001413037.1 and 2 more transcripts); c.-796G>A (NM_001413024.1, NM_001413035.1); c.-961G>A (NM_001413027.1, NM_001413030.1, NM_001413031.1 and 1 more transcripts); c.-624G>A (NM_001413028.1); c.-858G>A (NM_001413032.1); c.-803G>A (NM_001413034.1); and 1 more; short protein forms G58E.
Identifiers: ClinVar variation 2140772 (VCV002140772.4), dbSNP rs1008942429, ClinGen allele CA187690981.